The following is an entry in ClinVar:

NM_016507.4(CDK12):c.3637C>A (p.Leu1213Ile)

Gene: CDK12 (cyclin dependent kinase 12; plus strand). Cytogenetic location: 17q12.
Variant type: single nucleotide variant.
Coding change: c.3637C>A on transcript NM_016507.4 (MANE Select); coding-DNA position 3637, C replaced by A.
Protein change: p.Leu1213Ile; replaces leucine 1213 with isoleucine.
Molecular consequence: missense variant.
Genome position (GRCh38, 1-based): chr17:39,526,193, C>A. VCF-style: chr17-39526193-C-A. GRCh37 (hg19) VCF-style: chr17-37682446-C-A.
Other names: c.3637C>A, p.Leu1213Ile (NM_015083.4); short protein forms L1213I.
Identifiers: ClinVar variation 4651317 (VCV004651317.1).

ClinVar aggregate classification (germline): Uncertain significance (1 of 4 stars; one submission).

gnomAD v4.1: 2 of 1,614,126 alleles (0.00012%); highest among the groups gnomAD compares: Non-Finnish European, 0.00017%; no homozygotes.

Submission:

Ambry Genetics
Classification: Uncertain significance. Last evaluated: 2025-09-19. Review status: criteria provided, single submitter. Criteria: Ambry Variant Classification Scheme 2023. Collection method: clinical testing. Allele origin: germline.
Comment: The p.L1213I variant (also known as c.3637C>A), located in coding exon 13 of the CDK12 gene, results from a C to A substitution at nucleotide position 3637. The leucine at codon 1213 is replaced by isoleucine, an amino acid with highly similar properties. This amino acid position is conserved. In addition, this alteration is predicted to be tolerated by in silico analysis. Based on the available evidence, the clinical significance of this variant remains unclear.